The following is an entry in ClinVar:

NM_000245.4(MET):c.1601C>T (p.Pro534Leu)

Gene: MET (MET proto-oncogene, receptor tyrosine kinase; plus strand). Cytogenetic location: 7q31.2.
Variant type: single nucleotide variant.
Coding change: c.1601C>T on transcript NM_000245.4 (MANE Select); coding-DNA position 1601, C replaced by T.
Protein change: p.Pro534Leu; replaces proline 534 with leucine.
Molecular consequence: missense variant.
Genome position (GRCh38, 1-based): chr7:116,740,925, C>T. VCF-style: chr7-116740925-C-T. GRCh37 (hg19) VCF-style: chr7-116380979-C-T.
Other names: c.1601C>T, p.Pro534Leu (NM_001127500.3, NM_001324401.3); c.311C>T, p.Pro104Leu (NM_001324402.2); c.1601C>T (NM_001127500.1); short protein forms P104L, P534L.
Identifiers: ClinVar variation 1038269 (VCV001038269.11), dbSNP rs1793422444, ClinGen allele CA368975394.

ClinVar aggregate classification (germline): Conflicting classifications of pathogenicity. Review status: criteria provided, conflicting classifications (1 of 4 stars). 2 submissions from 2 submitters: Uncertain significance (1); Likely benign (1). Last evaluated 2026-06-04.

Conditions:
Renal cell carcinoma. Identifiers: Orphanet 217071, MedGen C0007134, MeSH D002292, MONDO:0005086, HP:0005584.
Hereditary cancer-predisposing syndrome. Also called: Hereditary neoplastic syndrome; Neoplastic Syndromes, Hereditary; Tumor predisposition; Hereditary Cancer Syndrome. Identifiers: Orphanet 140162, MedGen C0027672, MeSH D009386, MONDO:0015356.

Allele frequency attached by ClinVar (database versions not stated): gnomAD exomes below 0.00001.
gnomAD v4.1: 1 of 1,614,232 alleles (0.000062%); highest among the groups gnomAD compares: Non-Finnish European, 0.000085%; no homozygotes.

Submissions (2):

Ambry Genetics
Classification: Likely benign for Hereditary cancer-predisposing syndrome. Last evaluated: 2026-06-04. Review status: criteria provided, single submitter. Criteria: Ambry Variant Classification Scheme 2023. Collection method: clinical testing. Allele origin: germline.

Labcorp Genetics (formerly Invitae), Labcorp
Classification: Uncertain significance for Renal cell carcinoma. Last evaluated: 2023-10-15. Review status: criteria provided, single submitter. Criteria: Invitae Variant Classification Sherloc (09022015). Collection method: clinical testing. Allele origin: germline.
Comment: This sequence change replaces proline, which is neutral and non-polar, with leucine, which is neutral and non-polar, at codon 534 of the MET protein (p.Pro534Leu). This variant is not present in population databases (gnomAD no frequency). This variant has not been reported in the literature in individuals affected with MET-related conditions. ClinVar contains an entry for this variant (Variation ID: 1038269). Advanced modeling of protein sequence and biophysical properties (such as structural, functional, and spatial information, amino acid conservation, physicochemical variation, residue mobility, and thermodynamic stability) performed at Invitae indicates that this missense variant is not expected to disrupt MET protein function. In summary, the available evidence is currently insufficient to determine the role of this variant in disease. Therefore, it has been classified as a Variant of Uncertain Significance.